The following is an entry in ClinVar:

ClinVar aggregate classification (germline): Uncertain significance (1 of 4 stars; one submission).

Submission:

GeneDx
Classification: Uncertain significance. Last evaluated: 2019-10-21. Review status: criteria provided, single submitter. Criteria: GeneDx Variant Classification Process June 2021. Collection method: clinical testing. Allele origin: germline. Affected: yes.
Comment: Not observed in large population cohorts (Lek et al., 2016); In silico analysis, which includes protein predictors and evolutionary conservation, supports a deleterious effect; In addition, in-silico analysis, which includes splice predictors and evolutionary conservation, is inconclusive as to whether the variant alters gene splicing. In the absence of RNA/functional studies, the actual effect of this sequence change is unknown.; Has not been previously published as pathogenic or benign to our knowledge

NM_001385012.1(NBEA):c.1436A>C (p.Gln479Pro)

Gene: NBEA (neurobeachin; plus strand). Cytogenetic location: 13q13.3.
Variant type: single nucleotide variant.
Coding change: c.1436A>C on transcript NM_001385012.1 (MANE Select); coding-DNA position 1436, A replaced by C.
Protein change: p.Gln479Pro; replaces glutamine 479 with proline.
Molecular consequence: missense variant.
Genome position (GRCh38, 1-based): chr13:35,070,104, A>C. VCF-style: chr13-35070104-A-C. GRCh37 (hg19) VCF-style: chr13-35644241-A-C.
Other names: c.1436A>C, p.Gln479Pro (NM_001379245.1, NM_015678.5); short protein forms Q479P.
Identifiers: ClinVar variation 1320543 (VCV001320543.2), dbSNP rs2152573945, ClinGen allele CA387968948.
Genomic context (GRCh38, chr13:35,070,104, plus strand): 5'-AATCATCACCAAAAGAGAATGCATCAATTTTTGTGCATTCCCCACATGCTCTAATGCTTC[A>C]GGTGGGTGAATCGTGGCTTTGTTTTCATGTTCTTGTCAGAATTTGACAGTATCTTTATTT-3'
Protein context (NP_001371941.1, residues 469-489): FVHSPHALML[Gln479Pro]DVKAIVTHSI